The following is an entry in ClinVar:

ClinVar aggregate classification (germline): Likely benign (1 of 4 stars; one submission).

Allele frequency attached by ClinVar (database versions not stated): 1000 Genomes Project 30x 0.00109; 1000 Genomes Project 0.00120; TOPMed 0.00213; ExAC 0.00220; gnomAD 0.00224; ESP Exome Variant Server 0.00254; gnomAD exomes 0.00376.
gnomAD v4.1: 5,810 of 1,611,904 alleles (0.36%); highest among the groups gnomAD compares: Non-Finnish European, 0.44%; 15 homozygotes.

Submission:

CeGaT Center for Human Genetics Tuebingen
Classification: Likely benign. Last evaluated: 2023-03-01. Review status: criteria provided, single submitter. Criteria: CeGaT Center For Human Genetics Tuebingen Variant Classification Criteria Version 2. Collection method: clinical testing. Allele origin: germline. Affected: yes. Observed: 1 variant allele.
Comment: SLCO3A1: BS2

NM_013272.4(SLCO3A1):c.1678A>G (p.Ile560Val)

Gene: SLCO3A1 (solute carrier organic anion transporter family member 3A1; plus strand). Cytogenetic location: 15q26.1.
Variant type: single nucleotide variant.
Coding change: c.1678A>G on transcript NM_013272.4 (MANE Select); coding-DNA position 1678, A replaced by G.
Protein change: p.Ile560Val; replaces isoleucine 560 with valine.
Molecular consequence: missense variant. On other transcripts: non-coding transcript variant (1).
Genome position (GRCh38, 1-based): chr15:92,147,149, A>G. VCF-style: chr15-92147149-A-G. GRCh37 (hg19) VCF-style: chr15-92690379-A-G.
Other names: c.1678A>G, p.Ile560Val (NM_001145044.1); short protein forms I560V.
Identifiers: ClinVar variation 2645719 (VCV002645719.24), dbSNP rs141187463, ClinGen allele CA7746296.